The following is an entry in ClinVar:

NM_001142800.2(EYS):c.6512G>A (p.Arg2171Lys)

Gene: EYS (EGF-like photoreceptor maintenance factor; minus strand). Cytogenetic location: 6q12.
Variant type: single nucleotide variant.
Coding change: c.6512G>A on transcript NM_001142800.2 (MANE Select); coding-DNA position 6512, G replaced by A.
Protein change: p.Arg2171Lys; replaces arginine 2171 with lysine.
Molecular consequence: missense variant.
Genome position (GRCh38, 1-based): chr6:64,081,915, C>T on the plus strand (G>A on the coding strand, the complement: EYS is on the minus strand). VCF-style: chr6-64081915-C-T. GRCh37 (hg19) VCF-style: chr6-64791808-C-T.
Other names: c.6512G>A, p.Arg2171Lys (NM_001292009.2); short protein forms R2171K.
Identifiers: ClinVar variation 1997203 (VCV001997203.5), dbSNP rs746770940, ClinGen allele CA3876907.

ClinVar aggregate classification (germline): Uncertain significance. Review status: criteria provided, multiple submitters, no conflicts (2 of 4 stars). 2 submissions from 2 submitters: Uncertain significance (2). Last evaluated 2023-10-01.

Conditions:
Retinal dystrophy. Also called: Inherited retinal dystrophy. Identifiers: Orphanet 71862, MedGen C0854723, MeSH D058499, MONDO:0019118, HP:0000556.

Allele frequency attached by ClinVar (database versions not stated): ExAC 0.00005.
gnomAD v4.1: 2 of 1,542,202 alleles (0.00013%); highest among the groups gnomAD compares: South Asian, 0.0024%; no homozygotes.

Submissions (2):

Dept Of Ophthalmology, Nagoya University
Classification: Uncertain significance for Retinal dystrophy. Last evaluated: 2023-10-01. Review status: criteria provided, single submitter. Criteria: Submitter's publication. Collection method: research. Allele origin: germline. Affected: yes.

Labcorp Genetics (formerly Invitae), Labcorp
Classification: Uncertain significance. Last evaluated: 2022-05-21. Review status: criteria provided, single submitter. Criteria: Invitae Variant Classification Sherloc (09022015). Collection method: clinical testing. Allele origin: germline.
Comment: This sequence change replaces arginine, which is basic and polar, with lysine, which is basic and polar, at codon 2171 of the EYS protein (p.Arg2171Lys). In summary, the available evidence is currently insufficient to determine the role of this variant in disease. Therefore, it has been classified as a Variant of Uncertain Significance. Algorithms developed to predict the effect of missense changes on protein structure and function output the following: SIFT: "Tolerated"; PolyPhen-2: "Benign"; Align-GVGD: "Class C0". The lysine amino acid residue is found in multiple mammalian species, which suggests that this missense change does not adversely affect protein function. This variant has not been reported in the literature in individuals affected with EYS-related conditions. This variant is present in population databases (rs746770940, gnomAD 0.004%).